The following is an entry in ClinVar:

NC_000001.10:g.(?_43392712)_(43396897_?)del

Gene: SLC2A1 (solute carrier family 2 member 1; minus strand). Cytogenetic location: 1p34.2.
Variant type: Deletion.
Identifiers: ClinVar variation 1460349 (VCV001460349.6).

ClinVar aggregate classification (germline): Pathogenic (1 of 4 stars; one submission).

Conditions:
GLUT1 deficiency syndrome 1, autosomal recessive. Identifiers: MedGen C3149117.

Submission:

Labcorp Genetics (formerly Invitae), Labcorp
Classification: Pathogenic for GLUT1 deficiency syndrome 1, autosomal recessive. Last evaluated: 2023-12-19. Review status: criteria provided, single submitter. Criteria: Invitae Variant Classification Sherloc (09022015). Collection method: clinical testing. Allele origin: germline.
Comment: This variant is a gross deletion of the genomic region encompassing exon(s) 3-10 of the SLC2A1 gene, which includes the termination codon. This deletion extends beyond the assayed region for this gene and therefore may encompass additional genes. While this deletion is not anticipated to lead to nonsense mediated decay, it is expected to alter mRNA translation or result in a truncated protein product. This variant has not been reported in the literature in individuals affected with SLC2A1-related conditions. This variant disrupts a region of the SLC2A1 protein in which other variant(s) (p.Glu426*) have been determined to be pathogenic (Invitae). This suggests that this is a clinically significant region of the protein, and that variants that disrupt it are likely to be disease-causing. For these reasons, this variant has been classified as Pathogenic.